The following is an entry in ClinVar:

NM_002796.3(PSMB4):c.763G>A (p.Asp255Asn)

Gene: PSMB4 (proteasome 20S subunit beta 4; plus strand). Cytogenetic location: 1q21.3.
Variant type: single nucleotide variant.
Coding change: c.763G>A on transcript NM_002796.3 (MANE Select); coding-DNA position 763, G replaced by A.
Protein change: p.Asp255Asn; replaces aspartic acid 255 with asparagine.
Molecular consequence: missense variant.
Genome position (GRCh38, 1-based): chr1:151,401,611, G>A. VCF-style: chr1-151401611-G-A. GRCh37 (hg19) VCF-style: chr1-151374087-G-A.
Other names: short protein forms D255N.
Identifiers: ClinVar variation 1369733 (VCV001369733.8), dbSNP rs1171659648, ClinGen allele CA341928047.

ClinVar aggregate classification (germline): Uncertain significance (1 of 4 stars; one submission).

Allele frequency attached by ClinVar (database versions not stated): gnomAD exomes below 0.00001; gnomAD 0.00001; TOPMed 0.00001.
gnomAD v4.1: 3 of 1,609,864 alleles (0.00019%); highest among the groups gnomAD compares: Middle Eastern, 0.016%; no homozygotes.

Submission:

Labcorp Genetics (formerly Invitae), Labcorp
Classification: Uncertain significance. Last evaluated: 2021-04-28. Review status: criteria provided, single submitter. Criteria: Invitae Variant Classification Sherloc (09022015). Collection method: clinical testing. Allele origin: germline.
Comment: This variant is not present in population databases (ExAC no frequency). In summary, the available evidence is currently insufficient to determine the role of this variant in disease. Therefore, it has been classified as a Variant of Uncertain Significance. Algorithms developed to predict the effect of missense changes on protein structure and function (SIFT, PolyPhen-2, Align-GVGD) all suggest that this variant is likely to be tolerated, but these predictions have not been confirmed by published functional studies and their clinical significance is uncertain. This variant has not been reported in the literature in individuals with PSMB4-related conditions. This sequence change replaces aspartic acid with asparagine at codon 255 of the PSMB4 protein (p.Asp255Asn). The aspartic acid residue is moderately conserved and there is a small physicochemical difference between aspartic acid and asparagine.